The following is an entry in ClinVar:

NM_001042492.3(NF1):c.4193C>G (p.Pro1398Arg)

Gene: NF1 (neurofibromin 1; plus strand). Cytogenetic location: 17q11.2.
Variant type: single nucleotide variant.
Coding change: c.4193C>G on transcript NM_001042492.3 (MANE Select); coding-DNA position 4193, C replaced by G.
Protein change: p.Pro1398Arg; replaces proline 1398 with arginine.
Molecular consequence: missense variant.
Genome position (GRCh38, 1-based): chr17:31,258,363, C>G. VCF-style: chr17-31258363-C-G. GRCh37 (hg19) VCF-style: chr17-29585381-C-G.
Other names: c.4130C>G, p.Pro1377Arg (NM_000267.4); short protein forms P1377R, P1398R.
Identifiers: ClinVar variation 4014136 (VCV004014136.1).

ClinVar aggregate classification (germline): Uncertain significance (1 of 4 stars; one submission).

Conditions:
Cardiovascular phenotype. Identifiers: MedGen CN230736.
Hereditary cancer-predisposing syndrome. Also called: Tumor predisposition; Hereditary neoplastic syndrome; Neoplastic Syndromes, Hereditary; Hereditary Cancer Syndrome. Identifiers: Orphanet 140162, MedGen C0027672, MeSH D009386, MONDO:0015356.

Submission:

Ambry Genetics
Classification: Uncertain significance for Cardiovascular phenotype; Hereditary cancer-predisposing syndrome. Last evaluated: 2025-03-17. Review status: criteria provided, single submitter. Criteria: Ambry Variant Classification Scheme 2023. Collection method: clinical testing. Allele origin: germline.
Comment: The p.P1377R variant (also known as c.4130C>G), located in coding exon 31 of the NF1 gene, results from a C to G substitution at nucleotide position 4130. The proline at codon 1377 is replaced by arginine, an amino acid with dissimilar properties. This amino acid position is conserved. In addition, this alteration is predicted to be deleterious by in silico analysis. Based on the available evidence, the clinical significance of this variant remains unclear.